The following is an entry in ClinVar:

NM_001378454.1(ALMS1):c.3436C>A (p.Gln1146Lys)

Gene: ALMS1 (ALMS1 centrosome and basal body associated protein; plus strand). Cytogenetic location: 2p13.1.
Variant type: single nucleotide variant.
Coding change: c.3436C>A on transcript NM_001378454.1 (MANE Select); coding-DNA position 3436, C replaced by A.
Protein change: p.Gln1146Lys; replaces glutamine 1146 with lysine.
Molecular consequence: missense variant.
Genome position (GRCh38, 1-based): chr2:73,449,963, C>A. VCF-style: chr2-73449963-C-A. GRCh37 (hg19) VCF-style: chr2-73677090-C-A.
Other names: c.3439C>A, p.Gln1147Lys (NM_015120.4); short protein forms Q1146K, Q1147K.
Identifiers: ClinVar variation 1442164 (VCV001442164.3), dbSNP rs2103778961, ClinGen allele CA347275641.

ClinVar aggregate classification (germline): Uncertain significance (1 of 4 stars; one submission).

Conditions:
Alstrom syndrome (ALMS). Identifiers: Orphanet 64, MedGen C0268425, MONDO:0008763, OMIM 203800.

Allele frequency attached by ClinVar (database versions not stated): gnomAD exomes below 0.00001.
gnomAD v4.1: 3 of 1,613,940 alleles (0.00019%); highest among the groups gnomAD compares: South Asian, 0.0011%; no homozygotes.

Submission:

Labcorp Genetics (formerly Invitae), Labcorp
Classification: Uncertain significance for Alstrom syndrome. Last evaluated: 2021-05-13. Review status: criteria provided, single submitter. Criteria: Invitae Variant Classification Sherloc (09022015). Collection method: clinical testing. Allele origin: germline.
Comment: This sequence change replaces glutamine with lysine at codon 1147 of the ALMS1 protein (p.Gln1147Lys). The glutamine residue is weakly conserved and there is a small physicochemical difference between glutamine and lysine. This variant is not present in population databases (ExAC no frequency). This variant has not been reported in the literature in individuals with ALMS1-related conditions. Experimental studies and prediction algorithms are not available or were not evaluated, and the functional significance of this variant is currently unknown. In summary, the available evidence is currently insufficient to determine the role of this variant in disease. Therefore, it has been classified as a Variant of Uncertain Significance.